The following is an entry in ClinVar:

NM_004260.4(RECQL4):c.1796T>C (p.Val599Ala)

Gene: RECQL4 (RecQ like helicase 4; minus strand). Cytogenetic location: 8q24.3.
Variant type: single nucleotide variant.
Coding change: c.1796T>C on transcript NM_004260.4 (MANE Select); coding-DNA position 1796, T replaced by C.
Protein change: p.Val599Ala; replaces valine 599 with alanine.
Molecular consequence: missense variant.
Genome position (GRCh38, 1-based): chr8:144,514,271, A>G on the plus strand (T>C on the coding strand, the complement: RECQL4 is on the minus strand). VCF-style: chr8-144514271-A-G. GRCh37 (hg19) VCF-style: chr8-145739655-A-G.
Other names: c.1796T>C (NM_004260.3); c.1700T>C, p.Val567Ala (NM_001413017.1, NM_001413020.1); c.1796T>C, p.Val599Ala (NM_001413018.1, NM_001413019.1, NM_001413036.1); c.725T>C, p.Val242Ala (NM_001413021.1, NM_001413022.1, NM_001413023.1 and 6 more transcripts); c.1667T>C, p.Val556Ala (NM_001413025.1); c.659T>C, p.Val220Ala (NM_001413027.1, NM_001413041.1, NM_001413030.1 and 1 more transcripts); c.695T>C, p.Val232Ala (NM_001413042.1); c.329T>C, p.Val110Ala (NM_001413043.1); and 2 more; short protein forms V242A, V567A, V232A, V482A, V556A, V220A, V589A, V110A.
Identifiers: ClinVar variation 2173701 (VCV002173701.6), dbSNP rs760133016, ClinGen allele CA4948656.
Genomic context (GRCh38, chr8:144,514,271, plus strand): 5'-GGCCGGAAGTTGTGGGACCACTGGGAGAGGCAGTGGGCCTCATCAATGCAGGCAAAAGCA[A>G]CTGGAGGCAGCTGTGCGGCTGGAGGGAGGCCTCCCGCCCCCACCAGTGCCTCAGGTGTCA-3'
Protein context (NP_004251.4, residues 589-609): GLPPAAQLPP[Val599Ala]AFACIDEAHC

ClinVar aggregate classification (germline): Uncertain significance. Review status: criteria provided, multiple submitters, no conflicts (2 of 4 stars). 2 submissions from 2 submitters: Uncertain significance (2). Last evaluated 2025-08-25.

Conditions:
Baller-Gerold syndrome (BGS). Also called: CRANIOSYNOSTOSIS WITH RADIAL DEFECTS. Identifiers: Orphanet 1225, MedGen C0265308, MONDO:0009039, OMIM 218600.
Inborn genetic diseases. Identifiers: MedGen C0950123, MeSH D030342.

Allele frequency attached by ClinVar (database versions not stated): gnomAD exomes below 0.00001; ExAC 0.00001; gnomAD 0.00001; TOPMed 0.00002.

Submissions (2):

Ambry Genetics
Classification: Uncertain significance for Inborn genetic diseases. Last evaluated: 2025-08-25. Review status: criteria provided, single submitter. Criteria: Ambry Variant Classification Scheme 2023. Collection method: clinical testing. Allele origin: germline.

Labcorp Genetics (formerly Invitae), Labcorp
Classification: Uncertain significance for Baller-Gerold syndrome. Last evaluated: 2023-04-28. Review status: criteria provided, single submitter. Criteria: Invitae Variant Classification Sherloc (09022015). Collection method: clinical testing. Allele origin: germline.
Comment: In summary, the available evidence is currently insufficient to determine the role of this variant in disease. Therefore, it has been classified as a Variant of Uncertain Significance. Advanced modeling of protein sequence and biophysical properties (such as structural, functional, and spatial information, amino acid conservation, physicochemical variation, residue mobility, and thermodynamic stability) performed at Invitae indicates that this missense variant is expected to disrupt RECQL4 protein function. ClinVar contains an entry for this variant (Variation ID: 2173701). This variant has not been reported in the literature in individuals affected with RECQL4-related conditions. The frequency data for this variant in the population databases is considered unreliable, as metrics indicate poor data quality at this position in the gnomAD database. This sequence change replaces valine, which is neutral and non-polar, with alanine, which is neutral and non-polar, at codon 599 of the RECQL4 protein (p.Val599Ala).